The following is an entry in ClinVar:

ClinVar aggregate classification (germline): Uncertain significance. Review status: criteria provided, multiple submitters, no conflicts (2 of 4 stars). 5 submissions from 5 submitters: Uncertain significance (5). Last evaluated 2025-10-18.

Conditions:
Hereditary cancer-predisposing syndrome. Also called: Neoplastic Syndromes, Hereditary; Hereditary Cancer Syndrome; Tumor predisposition; Hereditary neoplastic syndrome. Identifiers: Orphanet 140162, MedGen C0027672, MeSH D009386, MONDO:0015356.
Fanconi anemia complementation group N. Also called: PALB2-Related Fanconi Anemia. Identifiers: Orphanet 84, MedGen C1835817, MONDO:0012565, OMIM 610832. Disease mechanism: loss of function.
Familial cancer of breast. Also called: Hereditary breast cancer; hereditary breast carcinoma; BREAST CANCER, FAMILIAL. Identifiers: Orphanet 227535, MedGen C0346153, MONDO:0016419, OMIM 114480. Disease mechanism: loss of function.
Pancreatic cancer, susceptibility to, 3. Identifiers: Orphanet 1333, MedGen C3150547, MONDO:0013236, OMIM 613348.
Breast-ovarian cancer, familial, susceptibility to, 5 (BROVCA5). Identifiers: MedGen C5830615, MONDO:0957530, OMIM 620442.

Submissions (5):

Labcorp Genetics (formerly Invitae), Labcorp
Classification: Uncertain significance for Familial cancer of breast. Last evaluated: 2025-10-18. Review status: criteria provided, single submitter. Criteria: Invitae Variant Classification Sherloc (09022015). Collection method: clinical testing. Allele origin: germline.
Comment: This sequence change replaces arginine, which is basic and polar, with lysine, which is basic and polar, at codon 146 of the PALB2 protein (p.Arg146Lys). This variant is not present in population databases (gnomAD no frequency). This variant has not been reported in the literature in individuals affected with PALB2-related conditions. ClinVar contains an entry for this variant (Variation ID: 1321058). An algorithm developed to predict the effect of missense changes on protein structure and function outputs the following: PolyPhen-2: "Benign". The lysine amino acid residue is found in multiple mammalian species, which suggests that this missense change does not adversely affect protein function. In summary, the available evidence is currently insufficient to determine the role of this variant in disease. Therefore, it has been classified as a Variant of Uncertain Significance.

Department of Pathology and Laboratory Medicine, Sinai Health System
Classification: Uncertain significance for Breast-ovarian cancer, familial, susceptibility to, 5. Last evaluated: 2023-01-24. Review status: criteria provided, single submitter. Criteria: ACMG Guidelines, 2015. Collection method: clinical testing. Allele origin: germline. Affected: yes.

Color Diagnostics, LLC DBA Color Health
Classification: Uncertain significance for Hereditary cancer-predisposing syndrome. Last evaluated: 2022-03-07. Review status: criteria provided, single submitter. Criteria: ACMG Guidelines, 2015. Collection method: clinical testing. Allele origin: germline.
Comment: This missense variant replaces arginine with lysine at codon 146 of the PALB2 protein. Computational prediction suggests that this variant may not impact protein structure and function (internally defined REVEL score threshold <= 0.5, PMID: 27666373). To our knowledge, functional studies have not been reported for this variant. This variant has been detected in a breast cancer case-control meta-analysis in 1/60463 cases and 0/53461 unaffected individuals (PMID: 33471991; Leiden Open Variation Database DB-ID PALB2_011182). This variant has not been identified in the general population by the Genome Aggregation Database (gnomAD). The available evidence is insufficient to determine the role of this variant in disease conclusively. Therefore, this variant is classified as a Variant of Uncertain Significance.

Fulgent Genetics
Classification: Uncertain significance for Familial cancer of breast; Fanconi anemia complementation group N; Pancreatic cancer, susceptibility to, 3. Last evaluated: 2022-02-17. Review status: criteria provided, single submitter. Criteria: ACMG Guidelines, 2015. Collection method: clinical testing. Allele origin: unknown.

GeneDx
Classification: Uncertain significance. Last evaluated: 2021-04-28. Review status: criteria provided, single submitter. Criteria: GeneDx Variant Classification Process June 2021. Collection method: clinical testing. Allele origin: germline. Affected: yes.
Comment: Not observed in large population cohorts (Lek 2016); In silico analysis supports that this missense variant does not alter protein structure/function; Has not been previously published as pathogenic or benign to our knowledge

Literature cited by the submitters: PubMed 33471991 (cited by Color Diagnostics, LLC DBA Color Health).

NM_024675.4(PALB2):c.437G>A (p.Arg146Lys)

Gene: PALB2 (partner and localizer of BRCA2; minus strand). Cytogenetic location: 16p12.2.
Variant type: single nucleotide variant.
Coding change: c.437G>A on transcript NM_024675.4 (MANE Select); coding-DNA position 437, G replaced by A.
Protein change: p.Arg146Lys; replaces arginine 146 with lysine.
Molecular consequence: missense variant.
Genome position (GRCh38, 1-based): chr16:23,636,109, C>T on the plus strand (G>A on the coding strand, the complement: PALB2 is on the minus strand). VCF-style: chr16-23636109-C-T. GRCh37 (hg19) VCF-style: chr16-23647430-C-T.
Other names: short protein forms R146K.
Identifiers: ClinVar variation 1321058 (VCV001321058.8), dbSNP rs2142443443, ClinGen allele CA395137275.
Genomic context (GRCh38, chr16:23,636,109, plus strand): 5'-GTGCCAAAGACACAGTCTCTCTCCTGTGAAATAAATGTCCTCTTCTGCTGCTTCTTTCTT[C>T]TGCTTGGCAGCTTCTGCTTTTGCTCACCACTAGGGTCACTGACCCTGTGGGGAAAATGTT-3'
Protein context (NP_078951.2, residues 136-156): SGEQKQKLPS[Arg146Lys]RKKQQKRTFI